The following is an entry in ClinVar:

ClinVar aggregate classification (germline): Uncertain significance (1 of 4 stars; one submission).

Conditions:
Neurofibromatosis, type 1 (NF1). Also called: VON RECKLINGHAUSEN DISEASE; Neurofibromatosis, type I; NEUROFIBROMATOSIS, TYPE I, SOMATIC; Peripheral type neurofibromatosis. Identifiers: Orphanet 636, MedGen C0027831, MONDO:0018975, OMIM 162200. Disease mechanism: loss of function.

Submission:

Labcorp Genetics (formerly Invitae), Labcorp
Classification: Uncertain significance for Neurofibromatosis, type 1. Last evaluated: 2023-10-20. Review status: criteria provided, single submitter. Criteria: Invitae Variant Classification Sherloc (09022015). Collection method: clinical testing. Allele origin: germline.
Comment: This sequence change replaces threonine, which is neutral and polar, with arginine, which is basic and polar, at codon 737 of the NF1 protein (p.Thr737Arg). This variant is not present in population databases (gnomAD no frequency). This variant has not been reported in the literature in individuals affected with NF1-related conditions. Advanced modeling of protein sequence and biophysical properties (such as structural, functional, and spatial information, amino acid conservation, physicochemical variation, residue mobility, and thermodynamic stability) has been performed at Invitae for this missense variant, however the output from this modeling did not meet the statistical confidence thresholds required to predict the impact of this variant on NF1 protein function. In summary, the available evidence is currently insufficient to determine the role of this variant in disease. Therefore, it has been classified as a Variant of Uncertain Significance.

NM_001042492.3(NF1):c.2210C>G (p.Thr737Arg)

Gene: NF1 (neurofibromin 1; plus strand). Cytogenetic location: 17q11.2.
Variant type: single nucleotide variant.
Coding change: c.2210C>G on transcript NM_001042492.3 (MANE Select); coding-DNA position 2210, C replaced by G.
Protein change: p.Thr737Arg; replaces threonine 737 with arginine.
Molecular consequence: missense variant.
Genome position (GRCh38, 1-based): chr17:31,226,643, C>G. VCF-style: chr17-31226643-C-G. GRCh37 (hg19) VCF-style: chr17-29553661-C-G.
Other names: c.2210C>G, p.Thr737Arg (NM_000267.4); short protein forms T737R.
Identifiers: ClinVar variation 2770340 (VCV002770340.3), dbSNP rs2151426073, ClinGen allele CA398982501.